The following is an entry in ClinVar:

ClinVar aggregate classification (germline): Conflicting classifications of pathogenicity. Review status: criteria provided, conflicting classifications (1 of 4 stars). 2 submissions from 2 submitters: Uncertain significance (1); Likely benign (1). Last evaluated 2023-03-23.

Conditions:
Hereditary cancer-predisposing syndrome. Also called: Hereditary neoplastic syndrome; Neoplastic Syndromes, Hereditary; Tumor predisposition; Hereditary Cancer Syndrome. Identifiers: Orphanet 140162, MedGen C0027672, MeSH D009386, MONDO:0015356.

Submissions (2):

University of Washington Department of Laboratory Medicine, University of Washington
Classification: Likely benign for Hereditary cancer-predisposing syndrome. Last evaluated: 2023-03-23. Review status: criteria provided, single submitter. Criteria: Dines et al. (Genet Med. 2020). Collection method: curation. Allele origin: germline.
Comment: Missense variant in a coldspot region where missense variants are very unlikely to be pathogenic (PMID:31911673).

BRCA2 exon 11 coldspot. Reclassification based on statistical prior probability.

GeneDx
Classification: Uncertain significance. Last evaluated: 2017-02-01. Review status: criteria provided, single submitter. Criteria: GeneDx Variant Classification (06012015). Collection method: clinical testing. Allele origin: germline. Affected: yes.
Comment: This variant is denoted BRCA2 c.4561_4563delCTAinsATG at the cDNA level, p.Leu1521Met (L1521M) at the protein level. The surrounding sequence is TACT[delCTA][insATG]TTGG. This in frame deletion and insertion, also denoted BRCA2 c.4789_4791delCTAinsATG using alternate nomenclature, occurs on the same allele (in cis) and results in the missense change of a Leucine to a Methionine (CTA>ATG). This variant has not, to our knowledge, been published in the literature as pathogenic or benign. Neither BRCA2 c.4561_4563delCTAinsATG nor BRCA2 Leu 1521Met (by this or an alternate nucleotide change) was observed in approximately 6,500 individuals of European and African American ancestry in the NHLBI Exome Sequencing Project, suggesting it is not a common benign variant in these populations. Since Leucine and Methionine share similar properties, this is considered a conservative amino acid substitution. BRCA2 Leu1521Met occurs at a position that is not conserved and is located in the BRC4, RAD51, and POLH binding domains (Cole 2011, Roy 2012, Buisson 2014). In silico analyses predict that this variant is unlikely to alter protein structure or function. Based on currently available information, we consider BRCA2 Leu1521Met to be a variant of uncertain significance.

NM_000059.4(BRCA2):c.4561_4563delinsATG (p.Leu1521Met)

Gene: BRCA2 (BRCA2 DNA repair associated; plus strand). Cytogenetic location: 13q13.1.
Variant type: Indel.
Coding change: c.4561_4563delinsATG on transcript NM_000059.4 (MANE Select); coding-DNA positions 4561 to 4563, CTA replaced by ATG.
Protein change: p.Leu1521Met; replaces leucine 1521 with methionine.
Molecular consequence: missense variant.
Genome position (GRCh38, 1-based): chr13:32,338,916-32,338,918, CTA replaced by ATG. VCF-style: chr13-32338916-CTA-ATG. GRCh37 (hg19) VCF-style: chr13-32913053-CTA-ATG.
Other names: c.4561_4563delCTAinsATG (NM_000059.3); short protein forms L1521M.
Identifiers: ClinVar variation 423405 (VCV000423405.4), dbSNP rs1064795258, ClinGen allele CA16619711.